The following is an entry in ClinVar:

NM_144670.6(A2ML1):c.62C>T (p.Pro21Leu)

Genes: A2ML1-AS1 (A2ML1 antisense RNA 1; minus strand), A2ML1 (alpha-2-macroglobulin like 1; plus strand). Cytogenetic location: 12p13.31.
Variant type: single nucleotide variant.
Coding change: c.62C>T on transcript NM_144670.6 (MANE Select); coding-DNA position 62, C replaced by T.
Protein change: p.Pro21Leu; replaces proline 21 with leucine.
Molecular consequence: missense variant.
Genome position (GRCh38, 1-based): chr12:8,822,713, C>T. VCF-style: chr12-8822713-C-T. GRCh37 (hg19) VCF-style: chr12-8975309-C-T.
Other names: short protein forms P21L.
Identifiers: ClinVar variation 929084 (VCV000929084.1), dbSNP rs771087097, ClinGen allele CA6435136.

ClinVar aggregate classification (germline): Uncertain significance (1 of 4 stars; one submission).

Allele frequency attached by ClinVar (database versions not stated): TOPMed 0.00001 and below 0.00001; gnomAD exomes below 0.00001; ExAC 0.00001; gnomAD 0.00001.
gnomAD v4.1: 16 of 1,613,956 alleles (0.00099%); highest among the groups gnomAD compares: South Asian, 0.0066%; 1 homozygote.

Submission:

Women's Health and Genetics/Laboratory Corporation of America, LabCorp
Classification: Uncertain significance. Last evaluated: 2019-12-16. Review status: criteria provided, single submitter. Criteria: LabCorp Variant Classification Summary - May 2015. Collection method: clinical testing. Allele origin: germline.
Comment: Variant summary: A2ML1 c.62C>T (p.Pro21Leu) results in a non-conservative amino acid change in the encoded protein sequence. Three of five in-silico tools predict a damaging effect of the variant on protein function. 4/5 computational tools predict no significant impact on normal splicing. However, these predictions have yet to be confirmed by functional studies. The variant allele was found at a frequency of 4e-06 in 249534 control chromosomes (gnomAD). The available data on variant occurrences in the general population are insufficient to allow any conclusion about variant significance. To our knowledge, no occurrence of c.62C>T in individuals affected with Noonan Syndrome and no experimental evidence demonstrating its impact on protein function have been reported. No clinical diagnostic laboratories have submitted clinical-significance assessments for this variant to ClinVar after 2014. Based on the evidence outlined above, the variant was classified as uncertain significance.